The following is an entry in ClinVar:

NM_001303052.2(MYT1L):c.2496C>T (p.Asp832=)

Gene: MYT1L (myelin transcription factor 1 like; minus strand). Cytogenetic location: 2p25.3.
Variant type: single nucleotide variant.
Coding change: c.2496C>T on transcript NM_001303052.2 (MANE Select); coding-DNA position 2496, C replaced by T.
Protein change: p.Asp832=; no amino-acid change (aspartic acid 832 retained).
Molecular consequence: synonymous variant.
Genome position (GRCh38, 1-based): chr2:1,889,265, G>A on the plus strand (C>T on the coding strand, the complement: MYT1L is on the minus strand). VCF-style: chr2-1889265-G-A. GRCh37 (hg19) VCF-style: chr2-1893037-G-A.
Other names: c.2496C>T, p.Asp832= (NM_001329844.2, NM_001329845.1, NM_001329851.3); c.2490C>T, p.Asp830= (NM_001329846.3, NM_001329847.2, NM_001329848.1 and 3 more transcripts).
Identifiers: ClinVar variation 1235280 (VCV001235280.27), dbSNP rs369414007, ClinGen allele CA1514022.

ClinVar aggregate classification (germline): Benign/Likely benign. Review status: criteria provided, multiple submitters, no conflicts (2 of 4 stars). 2 submissions from 2 submitters: Benign (1); Likely benign (1). Last evaluated 2026-05-01.

Allele frequency attached by ClinVar (database versions not stated): gnomAD 0.00006 and 0.00009; TOPMed 0.00006; ESP Exome Variant Server 0.00008; ExAC 0.00012; gnomAD exomes 0.00013.
gnomAD v4.1: 143 of 1,613,874 alleles (0.0089%); highest among the groups gnomAD compares: East Asian, 0.15%; no homozygotes.

Submissions (2):

CeGaT Center for Human Genetics Tuebingen
Classification: Likely benign. Last evaluated: 2026-05-01. Review status: criteria provided, single submitter. Criteria: CeGaT Center For Human Genetics Tuebingen Variant Classification Criteria Version 2. Collection method: clinical testing. Allele origin: germline. Affected: yes. Observed: 4 variant alleles.
Comment: MYT1L: BP4, BP7, BS1

GeneDx
Classification: Benign. Last evaluated: 2020-12-22. Review status: criteria provided, single submitter. Criteria: GeneDx Variant Classification Process June 2021. Collection method: clinical testing. Allele origin: germline. Affected: yes.